The following is an entry in ClinVar:

NM_173660.5(DOK7):c.32T>C (p.Val11Ala)

Gene: DOK7 (docking protein 7; plus strand). Cytogenetic location: 4p16.3.
Variant type: single nucleotide variant.
Coding change: c.32T>C on transcript NM_173660.5 (MANE Select); coding-DNA position 32, T replaced by C.
Protein change: p.Val11Ala; replaces valine 11 with alanine.
Molecular consequence: missense variant.
Genome position (GRCh38, 1-based): chr4:3,463,407, T>C. VCF-style: chr4-3463407-T-C. GRCh37 (hg19) VCF-style: chr4-3465134-T-C.
Other names: c.32T>C (NM_173660.4); c.32T>C, p.Val11Ala (NM_001164673.2, NM_001301071.2, NM_001363811.2); short protein forms V11A.
Identifiers: ClinVar variation 1005955 (VCV001005955.9), dbSNP rs375168516, ClinGen allele CA2828815.
Genomic context (GRCh38, chr4:3,463,407, plus strand): 5'-AGCGCGGCGGCGCGGAACCATGACAGAAGATGACCGAGGCGGCGCTGGTGGAGGGCCAGG[T>C]CAAGCTGCGGGACGGCAAGAAGGTCGGGGCGCGTCGGGGGCGCGGGGGGGGGGGGCGCGG-3'
Protein context (NP_775931.3, residues 1-21): MTEAALVEGQ[Val11Ala]KLRDGKKWKS

ClinVar aggregate classification (germline): Uncertain significance. Review status: criteria provided, multiple submitters, no conflicts (2 of 4 stars). 2 submissions from 2 submitters: Uncertain significance (2). Last evaluated 2026-09-02.

Conditions:
Fetal akinesia deformation sequence 1 (FADS1). Also called: Fetal akinesia sequence; Pena-Shokeir syndrome type I. Identifiers: Orphanet 994, MedGen C1276035, MONDO:0100101, OMIM 208150, HP:0001989.
Congenital myasthenic syndrome 10. Also called: Myasthenia, limb-girdle, familial. Identifiers: Orphanet 590, MedGen C1850792, MONDO:0009690, OMIM 254300.
Inborn genetic diseases. Identifiers: MedGen C0950123, MeSH D030342.

Allele frequency attached by ClinVar (database versions not stated): ESP Exome Variant Server 0.00009; TOPMed 0.00026; ExAC 0.00006; gnomAD exomes 0.00002; 1000 Genomes Project 30x 0.00047; gnomAD 0.00023 and 0.00026.
gnomAD v4.1: 58 of 1,370,228 alleles (0.0042%); highest among the groups gnomAD compares: African/African-American, 0.078%; no homozygotes.

Submissions (2):

Ambry Genetics
Classification: Uncertain significance for Inborn genetic diseases. Last evaluated: 2026-09-02. Review status: criteria provided, single submitter. Criteria: Ambry Variant Classification Scheme 2023. Collection method: clinical testing. Allele origin: germline.

Labcorp Genetics (formerly Invitae), Labcorp
Classification: Uncertain significance for Congenital myasthenic syndrome 10; Fetal akinesia deformation sequence 1. Last evaluated: 2022-07-12. Review status: criteria provided, single submitter. Criteria: Invitae Variant Classification Sherloc (09022015). Collection method: clinical testing. Allele origin: germline.
Comment: This sequence change replaces valine, which is neutral and non-polar, with alanine, which is neutral and non-polar, at codon 11 of the DOK7 protein (p.Val11Ala). The frequency data for this variant in the population databases is considered unreliable, as metrics indicate poor data quality at this position in the gnomAD database. This missense change has been observed in individual(s) with clinical features of DOK7-related conditions (PMID: 21520333). ClinVar contains an entry for this variant (Variation ID: 1005955). Algorithms developed to predict the effect of missense changes on protein structure and function are either unavailable or do not agree on the potential impact of this missense change (SIFT: "Deleterious"; PolyPhen-2: "Benign"; Align-GVGD: "Class C0"). Algorithms developed to predict the effect of sequence changes on RNA splicing suggest that this variant may disrupt the consensus splice site. In summary, the available evidence is currently insufficient to determine the role of this variant in disease. Therefore, it has been classified as a Variant of Uncertain Significance.

Literature cited by the submitters: PubMed 21520333 (cited by Labcorp Genetics (formerly Invitae), Labcorp).